The following is an entry in ClinVar:

NM_006206.6(PDGFRA):c.3107A>G (p.Lys1036Arg)

Gene: PDGFRA (platelet derived growth factor receptor alpha; plus strand). Cytogenetic location: 4q12.
Variant type: single nucleotide variant.
Coding change: c.3107A>G on transcript NM_006206.6 (MANE Select); coding-DNA position 3107, A replaced by G.
Protein change: p.Lys1036Arg; replaces lysine 1036 with arginine.
Molecular consequence: missense variant.
Genome position (GRCh38, 1-based): chr4:54,290,539, A>G. VCF-style: chr4-54290539-A-G. GRCh37 (hg19) VCF-style: chr4-55156706-A-G.
Other names: c.3182A>G, p.Lys1061Arg (NM_001347828.2); c.3107A>G, p.Lys1036Arg (NM_001347829.2); c.3146A>G, p.Lys1049Arg (NM_001347830.2); short protein forms K1036R, K1049R, K1061R.
Identifiers: ClinVar variation 5026415 (VCV005026415.1).
Genomic context (GRCh38, chr4:54,290,539, plus strand): 5'-GTGGCTACATCATTCCTCTGCCTGACATTGACCCTGTCCCTGAGGAGGAGGACCTGGGCA[A>G]GAGGAACAGACACAGGTAGCTGTGGGGGCAGCCTCGGTGTCTCACCTTTCCCCTCCCCTA-3'
Protein context (NP_006197.1, residues 1026-1046): DPVPEEEDLG[Lys1036Arg]RNRHSSQTSE

ClinVar aggregate classification (germline): Uncertain significance (1 of 4 stars; one submission).

Conditions:
Hereditary cancer-predisposing syndrome. Also called: Neoplastic Syndromes, Hereditary; Tumor predisposition; Hereditary neoplastic syndrome; Hereditary Cancer Syndrome. Identifiers: Orphanet 140162, MedGen C0027672, MeSH D009386, MONDO:0015356.

Submission:

Ambry Genetics
Classification: Uncertain significance for Hereditary cancer-predisposing syndrome. Last evaluated: 2026-07-06. Review status: criteria provided, single submitter. Criteria: Ambry Variant Classification Scheme 2023. Collection method: clinical testing. Allele origin: germline.
Comment: The p.K1036R variant (also known as c.3107A>G), located in coding exon 21 of the PDGFRA gene, results from an A to G substitution at nucleotide position 3107. The lysine at codon 1036 is replaced by arginine, an amino acid with highly similar properties. This amino acid position is conserved. In addition, the in silico prediction for this alteration is inconclusive. Based on the available evidence, the clinical significance of this variant remains unclear.